The following is an entry in ClinVar:

ClinVar aggregate classification (germline): Uncertain significance (1 of 4 stars; one submission).

Conditions:
Aicardi-Goutieres syndrome 4. Identifiers: Orphanet 51, MedGen C1835912, MONDO:0012472, OMIM 610333.

Allele frequency attached by ClinVar (database versions not stated): gnomAD exomes below 0.00001.

Submission:

Labcorp Genetics (formerly Invitae), Labcorp
Classification: Uncertain significance for Aicardi-Goutieres syndrome 4. Last evaluated: 2021-11-27. Review status: criteria provided, single submitter. Criteria: Invitae Variant Classification Sherloc (09022015). Collection method: clinical testing. Allele origin: germline.
Comment: This sequence change affects codon 212 of the RNASEH2A mRNA. It is a 'silent' change, meaning that it does not change the encoded amino acid sequence of the RNASEH2A protein. It affects a nucleotide within the consensus splice site. This variant is not present in population databases (gnomAD no frequency). This variant has not been reported in the literature in individuals affected with RNASEH2A-related conditions. Algorithms developed to predict the effect of sequence changes on RNA splicing suggest that this variant is not likely to affect RNA splicing. In summary, the available evidence is currently insufficient to determine the role of this variant in disease. Therefore, it has been classified as a Variant of Uncertain Significance.

NM_006397.3(RNASEH2A):c.636T>C (p.Asn212=)

Gene: RNASEH2A (ribonuclease H2 subunit A; plus strand). Cytogenetic location: 19p13.13.
Variant type: single nucleotide variant.
Coding change: c.636T>C on transcript NM_006397.3 (MANE Select); coding-DNA position 636, T replaced by C.
Protein change: p.Asn212=; no amino-acid change (asparagine 212 retained).
Molecular consequence: synonymous variant.
Genome position (GRCh38, 1-based): chr19:12,810,403, T>C. VCF-style: chr19-12810403-T-C. GRCh37 (hg19) VCF-style: chr19-12921217-T-C.
Identifiers: ClinVar variation 1492180 (VCV001492180.6), dbSNP rs2145827969, ClinGen allele CA505775622.